The following is an entry in ClinVar:

NM_001374828.1(ARID1B):c.6174G>A (p.Ala2058=)

Gene: ARID1B (AT-rich interaction domain 1B; plus strand). Cytogenetic location: 6q25.3.
Variant type: single nucleotide variant.
Coding change: c.6174G>A on transcript NM_001374828.1 (MANE Select); coding-DNA position 6174, G replaced by A.
Protein change: p.Ala2058=; no amino-acid change (alanine 2058 retained).
Molecular consequence: synonymous variant.
Genome position (GRCh38, 1-based): chr6:157,206,946, G>A. VCF-style: chr6-157206946-G-A. GRCh37 (hg19) VCF-style: chr6-157528080-G-A.
Other names: c.5925G>A, p.Ala1975= (NM_001346813.1); c.3675G>A, p.Ala1225= (NM_001363725.2); c.6054G>A, p.Ala2018= (NM_001371656.1, NM_001374820.1); c.6015G>A, p.Ala2005= (NM_017519.3); c.5805G>A, p.Ala1935= (NM_020732.3); c.5592G>A, p.Ala1864= (NM_175863.2).
Identifiers: ClinVar variation 1749807 (VCV001749807.7), dbSNP rs372334858, ClinGen allele CA4067968.

ClinVar aggregate classification (germline): Likely benign. Review status: criteria provided, multiple submitters, no conflicts (2 of 4 stars). 4 submissions from 4 submitters: Likely benign (3). 1 of the submissions does not count toward it. Last evaluated 2025-07-14.

Conditions:
ARID1B-Related Disorder. Identifiers: MedGen CN381337.
Inborn genetic diseases. Identifiers: MedGen C0950123, MeSH D030342.

Allele frequency attached by ClinVar (database versions not stated): gnomAD 0.00003.
gnomAD v4.1: 283 of 1,614,076 alleles (0.018%); highest among the groups gnomAD compares: Non-Finnish European, 0.023%; no homozygotes.

Submissions (4):

Labcorp Genetics (formerly Invitae), Labcorp
Classification: Likely benign. Last evaluated: 2025-07-14. Review status: criteria provided, single submitter. Criteria: Invitae Variant Classification Sherloc (09022015). Collection method: clinical testing. Allele origin: germline.

Blueprint Genetics
Classification: Likely benign. Last evaluated: 2023-04-18. Review status: criteria provided, single submitter. Criteria: ACMG Guidelines, 2015. Collection method: clinical testing. Allele origin: germline.

Ambry Genetics
Classification: Likely benign for Inborn genetic diseases. Last evaluated: 2018-04-30. Review status: criteria provided, single submitter. Criteria: Ambry Variant Classification Scheme 2023. Collection method: clinical testing. Allele origin: germline.

PreventionGenetics, part of Exact Sciences
Classification: Likely benign for ARID1B-related condition. Last evaluated: 2019-03-05. Review status: no assertion criteria provided. Collection method: clinical testing. Allele origin: germline. Not counted in ClinVar's aggregate classification.
Comment: This variant is classified as likely benign based on ACMG/AMP sequence variant interpretation guidelines (Richards et al. 2015 PMID: 25741868, with internal and published modifications).